The following is an entry in ClinVar:

NM_002693.3(POLG):c.1950-106T>C

Gene: POLG (DNA polymerase gamma, catalytic subunit; minus strand). Cytogenetic location: 15q26.1.
Variant type: single nucleotide variant.
Coding change: c.1950-106T>C on transcript NM_002693.3 (MANE Select); 106 bases into the intron before coding-DNA position 1950, T replaced by C.
Molecular consequence: intron variant.
Genome position (GRCh38, 1-based): chr15:89,324,333, A>G on the plus strand (T>C on the coding strand, the complement: POLG is on the minus strand). VCF-style: chr15-89324333-A-G. GRCh37 (hg19) VCF-style: chr15-89867564-A-G.
Other names: c.1950-106T>C (NM_001126131.2).
Identifiers: ClinVar variation 675728 (VCV000675728.2), dbSNP rs41556814, ClinGen allele CA274552466.

ClinVar aggregate classification (germline): Likely benign. Review status: criteria provided, multiple submitters, no conflicts (2 of 4 stars). 2 submissions from 2 submitters: Likely benign (2). Last evaluated 2018-06-19.

Allele frequency attached by ClinVar (database versions not stated): 1000 Genomes Project 30x 0.00359; 1000 Genomes Project 0.00379; TOPMed 0.00608; gnomAD 0.00697 and 0.00723; gnomAD exomes 0.00794.
gnomAD v4.1: 10,361 of 1,308,424 alleles (0.79%); highest among the groups gnomAD compares: Middle Eastern, 1.3%; 70 homozygotes.

Submissions (2):

GeneDx
Classification: Likely benign. Last evaluated: 2018-06-19. Review status: criteria provided, single submitter. Criteria: GeneDx Variant Classification (06012015). Collection method: clinical testing. Allele origin: germline. Affected: yes.
Comment: This variant is considered likely benign or benign based on one or more of the following criteria: it is a conservative change, it occurs at a poorly conserved position in the protein, it is predicted to be benign by multiple in silico algorithms, and/or has population frequency not consistent with disease.

Breakthrough Genomics
Classification: Likely benign. Review status: criteria provided, single submitter. Criteria: ACMG Guidelines, 2015. Collection method: not provided. Allele origin: germline. Inheritance: Autosomal recessive inheritance. Affected: yes.